The following is an entry in ClinVar:

ClinVar aggregate classification (germline): Uncertain significance (1 of 4 stars; one submission).

Conditions:
Familial thoracic aortic aneurysm and aortic dissection (TAAD). Also called: Thoracic aortic aneurysms and dissections. Identifiers: Orphanet 91387, MedGen C4707243, MONDO:0019625.

Allele frequency attached by ClinVar (database versions not stated): TOPMed below 0.00001.

Submission:

Ambry Genetics
Classification: Uncertain significance for Familial thoracic aortic aneurysm and aortic dissection. Last evaluated: 2023-10-05. Review status: criteria provided, single submitter. Criteria: Ambry Variant Classification Scheme 2023. Collection method: clinical testing. Allele origin: germline.
Comment: The p.E1092Q variant (also known as c.3274G>C), located in coding exon 15 of the MYLK gene, results from a G to C substitution at nucleotide position 3274. The glutamic acid at codon 1092 is replaced by glutamine, an amino acid with highly similar properties. This amino acid position is conserved. In addition, this alteration is predicted to be tolerated by in silico analysis. Since supporting evidence is limited at this time, the clinical significance of this alteration remains unclear.

NM_053025.4(MYLK):c.3274G>C (p.Glu1092Gln)

Gene: MYLK (myosin light chain kinase; minus strand). Cytogenetic location: 3q21.1.
Variant type: single nucleotide variant.
Coding change: c.3274G>C on transcript NM_053025.4 (MANE Select); coding-DNA position 3274, G replaced by C.
Protein change: p.Glu1092Gln; replaces glutamic acid 1092 with glutamine.
Molecular consequence: missense variant.
Genome position (GRCh38, 1-based): chr3:123,700,194, C>G on the plus strand (G>C on the coding strand, the complement: MYLK is on the minus strand). VCF-style: chr3-123700194-C-G. GRCh37 (hg19) VCF-style: chr3-123419041-C-G.
Other names: c.2746G>C, p.Glu916Gln (NM_001321309.2); c.3067G>C, p.Glu1023Gln (NM_053026.4, NM_053028.4); c.3274G>C, p.Glu1092Gln (NM_053027.4); short protein forms E1023Q, E1092Q, E916Q.
Identifiers: ClinVar variation 3228908 (VCV003228908.1), dbSNP rs2061128335, ClinGen allele CA354229595.
Genomic context (GRCh38, chr3:123,700,194, plus strand): 5'-CCTCTGCCACATGAACATCTTGCAGCTTCTGCTTGAAGGCTGGGGCTGTCCCCTGGCTCT[C>G]TGATCTCTTTTCATTATCTGTGGTCCCTGCATGGCCTCTCTTGCAGTTCACATCATTCTT-3'
Protein context (NP_444253.3, residues 1082-1102): AGTTDNEKRS[Glu1092Gln]SQGTAPAFKQ